The following is an entry in ClinVar:

NM_201384.3(PLEC):c.5798G>C (p.Ser1933Thr)

Gene: PLEC (plectin; minus strand). Cytogenetic location: 8q24.3.
Variant type: single nucleotide variant.
Coding change: c.5798G>C on transcript NM_201384.3 (MANE Select); coding-DNA position 5798, G replaced by C.
Protein change: p.Ser1933Thr; replaces serine 1933 with threonine.
Molecular consequence: missense variant.
Genome position (GRCh38, 1-based): chr8:143,924,131, C>G on the plus strand (G>C on the coding strand, the complement: PLEC is on the minus strand). VCF-style: chr8-143924131-C-G. GRCh37 (hg19) VCF-style: chr8-144998299-C-G.
Other names: c.5879G>C, p.Ser1960Thr (NM_000445.5); c.5756G>C, p.Ser1919Thr (NM_201378.4); c.5732G>C, p.Ser1911Thr (NM_201379.3); c.6209G>C, p.Ser2070Thr (NM_201380.4); c.5702G>C, p.Ser1901Thr (NM_201381.3); c.5798G>C, p.Ser1933Thr (NM_201382.4); c.5810G>C, p.Ser1937Thr (NM_201383.3); short protein forms S1901T, S1911T, S1919T, S1933T, S1937T, S1960T, S2070T.
Identifiers: ClinVar variation 1690991 (VCV001690991.2), dbSNP rs1288160719, ClinGen allele CA372541667.

ClinVar aggregate classification (germline): Uncertain significance (1 of 4 stars; one submission).

gnomAD v4.1: 2 of 1,598,822 alleles (0.00013%); highest among the groups gnomAD compares: Non-Finnish European, 0.00017%; no homozygotes.

Submission:

Laboratorio de Genetica e Diagnostico Molecular, Hospital Israelita Albert Einstein
Classification: Uncertain significance. Last evaluated: 2020-12-07. Review status: criteria provided, single submitter. Criteria: ACMG Guidelines, 2015. Collection method: clinical testing. Allele origin: germline. Affected: yes.
Comment: ACMG classification criteria: PM2, BP4